The following is an entry in ClinVar:

ClinVar aggregate classification (germline): Pathogenic (1 of 4 stars; one submission).

Submission:

GeneDx
Classification: Pathogenic. Last evaluated: 2026-03-15. Review status: criteria provided, single submitter. Criteria: GeneDx Variant Classification Process June 2021. Collection method: clinical testing. Allele origin: germline.
Comment: Frameshift variant predicted to result in protein truncation or nonsense mediated decay in a gene for which loss of function is a known mechanism of disease; Not observed at significant frequency in large population cohorts (gnomAD); Has not been previously published as pathogenic or benign to our knowledge

NM_004859.4(CLTC):c.4687del (p.Arg1563fs)

Gene: CLTC (clathrin heavy chain; plus strand). Cytogenetic location: 17q23.1.
Variant type: Deletion.
Coding change: c.4687del on transcript NM_004859.4 (MANE Select); coding-DNA position 4687, one base deleted (A; older notation c.4687delA).
Protein change: p.Arg1563fs; shifts the reading frame from arginine 1563.
Molecular consequence: frameshift variant.
Genome position (GRCh38, 1-based): chr17:59,685,668, A deleted; the last of 6 consecutive A bases (chr17:59,685,663-59,685,668); deleting any one gives the same sequence. VCF-style (leftmost placement, unchanged base first): chr17-59685662-GA-G. GRCh37 (hg19) VCF-style: chr17-57763023-GA-G.
Other names: c.4699del, p.Arg1567fs (NM_001288653.2); short protein forms R1563fs, R1567fs.
Identifiers: ClinVar variation 4975082 (VCV004975082.1).